The following is an entry in ClinVar:

NM_001040108.2(MLH3):c.2011A>G (p.Asn671Asp)

Gene: MLH3 (mutL homolog 3; minus strand). Cytogenetic location: 14q24.3.
Variant type: single nucleotide variant.
Coding change: c.2011A>G on transcript NM_001040108.2 (MANE Select); coding-DNA position 2011, A replaced by G.
Protein change: p.Asn671Asp; replaces asparagine 671 with aspartic acid.
Molecular consequence: missense variant.
Genome position (GRCh38, 1-based): chr14:75,047,645, T>C on the plus strand (A>G on the coding strand, the complement: MLH3 is on the minus strand). VCF-style: chr14-75047645-T-C. GRCh37 (hg19) VCF-style: chr14-75514348-T-C.
Other names: c.2011A>G, p.Asn671Asp (NM_014381.3); short protein forms N671D.
Identifiers: ClinVar variation 1784424 (VCV001784424.2), dbSNP rs1235344879, ClinGen allele CA390443400.

ClinVar aggregate classification (germline): Uncertain significance (1 of 4 stars; one submission).

Allele frequency attached by ClinVar (database versions not stated): gnomAD exomes below 0.00001; TOPMed 0.00001.

Submission:

Ambry Genetics
Classification: Uncertain significance. Last evaluated: 2021-09-01. Review status: criteria provided, single submitter. Criteria: Ambry Variant Classification Scheme 2023. Collection method: clinical testing. Allele origin: germline.
Comment: The p.N671D variant (also known as c.2011A>G), located in coding exon 1 of the MLH3 gene, results from an A to G substitution at nucleotide position 2011. The asparagine at codon 671 is replaced by aspartic acid, an amino acid with highly similar properties. This amino acid position is conserved. In addition, this alteration is predicted to be tolerated by in silico analysis. Since supporting evidence is limited at this time, the clinical significance of this alteration remains unclear.